The following is an entry in ClinVar:

ClinVar aggregate classification (germline): Uncertain significance. Review status: criteria provided, multiple submitters, no conflicts (2 of 4 stars). 7 submissions from 7 submitters: Uncertain significance (6). 1 of the submissions does not count toward it. Last evaluated 2026-08-06.

Conditions:
Inborn genetic diseases. Identifiers: MedGen C0950123, MeSH D030342.
Deficiency of alpha-mannosidase (MANSA). Also called: Mannosidosis, alpha-, types I and II; LYSOSOMAL ALPHA-D-MANNOSIDASE DEFICIENCY; Alpha-Mannosidosis. Identifiers: Orphanet 61, MedGen C0024748, MONDO:0009561, OMIM 248500.

Allele frequency attached by ClinVar (database versions not stated): gnomAD 0.00003; ExAC 0.00004; TOPMed 0.00007; gnomAD exomes 0.00008; ESP Exome Variant Server 0.00015.
gnomAD v4.1: 104 of 1,613,300 alleles (0.0064%); highest among the groups gnomAD compares: Middle Eastern, 0.017%; no homozygotes.

Submissions (7):

OLLIN Analises Genomicas, OLLIN
Classification: Uncertain significance for Deficiency of alpha-mannosidase. Last evaluated: 2026-08-06. Review status: criteria provided, single submitter. Criteria: ACMG Guidelines 2015 PMID 25741868. Collection method: clinical testing. Allele origin: germline.
Comment: This missense variant, located in exon 10 (of 24), has been reported in ClinVar (accession VCV000328271.17) and in gnomAD with an allele frequency of 0.0064%. However, to our knowledge, it has not been reported in the scientific literature. In silico analysis predicts that this variant has a tolerated effect. According to the currently available evidence, this variant has been classified as uncertain significance (PM2_P, BP4_M).

Ambry Genetics
Classification: Uncertain significance for Inborn genetic diseases. Last evaluated: 2024-10-06. Review status: criteria provided, single submitter. Criteria: Ambry Variant Classification Scheme 2023. Collection method: clinical testing. Allele origin: germline.

Labcorp Genetics (formerly Invitae), Labcorp
Classification: Uncertain significance for Deficiency of alpha-mannosidase. Last evaluated: 2022-08-13. Review status: criteria provided, single submitter. Criteria: Invitae Variant Classification Sherloc (09022015). Collection method: clinical testing. Allele origin: germline.
Comment: This sequence change replaces valine, which is neutral and non-polar, with leucine, which is neutral and non-polar, at codon 425 of the MAN2B1 protein (p.Val425Leu). This variant is present in population databases (rs141650075, gnomAD 0.02%). This variant has not been reported in the literature in individuals affected with MAN2B1-related conditions. ClinVar contains an entry for this variant (Variation ID: 328271). Algorithms developed to predict the effect of missense changes on protein structure and function (SIFT, PolyPhen-2, Align-GVGD) all suggest that this variant is likely to be tolerated. In summary, the available evidence is currently insufficient to determine the role of this variant in disease. Therefore, it has been classified as a Variant of Uncertain Significance.

Genome-Nilou Lab
Classification: Uncertain significance for Deficiency of alpha-mannosidase. Last evaluated: 2021-09-05. Review status: criteria provided, single submitter. Criteria: ACMG Guidelines, 2015. Collection method: clinical testing. Allele origin: germline. Affected: no.

Revvity Omics, Revvity
Classification: Uncertain significance for Deficiency of alpha-mannosidase. Last evaluated: 2020-08-15. Review status: criteria provided, single submitter. Criteria: ACMG Guidelines, 2015. Collection method: clinical testing. Allele origin: germline.

Illumina Laboratory Services, Illumina
Classification: Uncertain significance for Deficiency of alpha-mannosidase. Last evaluated: 2018-01-13. Review status: criteria provided, single submitter. Criteria: ICSL Variant Classification Criteria 13 December 2019. Collection method: clinical testing. Allele origin: germline.

Natera, Inc.
Classification: Uncertain significance for Alpha-mannosidosis. Last evaluated: 2019-11-11. Review status: no assertion criteria provided. Collection method: clinical testing. Allele origin: germline. Not counted in ClinVar's aggregate classification.

NM_000528.4(MAN2B1):c.1273G>T (p.Val425Leu)

Gene: MAN2B1 (mannosidase alpha class 2B member 1; minus strand). Cytogenetic location: 19p13.13.
Variant type: single nucleotide variant.
Coding change: c.1273G>T on transcript NM_000528.4 (MANE Select); coding-DNA position 1273, G replaced by T.
Protein change: p.Val425Leu; replaces valine 425 with leucine.
Molecular consequence: missense variant.
Genome position (GRCh38, 1-based): chr19:12,658,099, C>A on the plus strand (G>T on the coding strand, the complement: MAN2B1 is on the minus strand). VCF-style: chr19-12658099-C-A. GRCh37 (hg19) VCF-style: chr19-12768913-C-A.
Other names: c.1270G>T, p.Val424Leu (NM_001173498.2); short protein forms V425L, V424L.
Identifiers: ClinVar variation 328271 (VCV000328271.18), dbSNP rs141650075, ClinGen allele CA9226516.